The following is an entry in ClinVar:

NM_000814.6(GABRB3):c.914C>A (p.Ala305Asp)

Gene: GABRB3 (gamma-aminobutyric acid type A receptor subunit beta3; minus strand). Cytogenetic location: 15q12.
Variant type: single nucleotide variant.
Coding change: c.914C>A on transcript NM_000814.6 (MANE Select); coding-DNA position 914, C replaced by A.
Protein change: p.Ala305Asp; replaces alanine 305 with aspartic acid.
Molecular consequence: missense variant.
Genome position (GRCh38, 1-based): chr15:26,561,098, G>T on the plus strand (C>A on the coding strand, the complement: GABRB3 is on the minus strand). VCF-style: chr15-26561098-G-T. GRCh37 (hg19) VCF-style: chr15-26806245-G-T.
Other names: c.659C>A, p.Ala220Asp (NM_001191320.2, NM_001278631.2); c.701C>A, p.Ala234Asp (NM_001191321.3); c.914C>A, p.Ala305Asp (NM_021912.5); short protein forms A305D, A234D, A220D.
Identifiers: ClinVar variation 450287 (VCV000450287.2), dbSNP rs1555401425, ClinGen allele CA391462108.

ClinVar aggregate classification (germline): Likely pathogenic (1 of 4 stars; one submission).

Submission:

GeneDx
Classification: Likely pathogenic. Last evaluated: 2018-12-28. Review status: criteria provided, single submitter. Criteria: GeneDx Variant Classification (06012015). Collection method: clinical testing. Allele origin: germline. Affected: yes.
Comment: The A305D variant in the GABRB3 gene has not been reported previously as a pathogenic variant, nor as a benign variant, to our knowledge. The A305D variant is not observed in large population cohorts (Lek et al., 2016; 1000 Genomes Consortium et al., 2015; Exome Variant Server). The A305D variant is a non-conservative amino acid substitution, which is likely to impact secondary protein structure as these residues differ in polarity, charge, size and/or other properties. This substitution occurs at a position that is conserved across species, and in silico analysis predicts this variant is probably damaging to the protein structure/function. We interpret A305D as a likely pathogenic variant.